The following is an entry in ClinVar:

ClinVar aggregate classification (germline): Uncertain significance. Review status: criteria provided, multiple submitters, no conflicts (2 of 4 stars). 8 submissions from 6 submitters: Uncertain significance (7). 1 of the submissions does not count toward it. Last evaluated 2025-08-26.

Conditions:
Cardiovascular phenotype. Identifiers: MedGen CN230736.
Hypertrophic cardiomyopathy 2. Also called: TNNT2-Related Familial Hypertrophic Cardiomyopathy. Identifiers: MedGen C1861864, MONDO:0007266, OMIM 115195.
Dilated cardiomyopathy 1D. Identifiers: Orphanet 154, Orphanet 54260, MedGen C1832243, MONDO:0011095, OMIM 601494.
Cardiomyopathy, familial restrictive, 3. Identifiers: Orphanet 75249, MedGen C2676271, MONDO:0012900, OMIM 612422.
Cardiomyopathy (CMYO). Also called: Cardiomyopathies. Identifiers: Orphanet 167848, MedGen C0878544, MONDO:0004994, HP:0001638. Inheritance: Various modes of inheritance.

gnomAD v4.1: 6 of 1,598,810 alleles (0.00038%); highest among the groups gnomAD compares: Non-Finnish European, 0.00051%; no homozygotes.

Submissions (8):

Color Diagnostics, LLC DBA Color Health
Classification: Uncertain significance for Cardiomyopathy. Last evaluated: 2025-08-26. Review status: criteria provided, single submitter. Criteria: ACMG Guidelines, 2015. Collection method: clinical testing. Allele origin: germline.
Comment: This missense variant replaces aspartic acid with asparagine at codon 270 of the TNNT2 protein. Computational prediction suggests that this variant may not impact protein structure and function. Functional studies have shown that the mutant protein exhibits impaired interactions with TNNI3 and TNNC1 proteins (PMID: 15542288) and decreased calcium sensitivity and/or cooperativity of calcium binding (PMID: 15923195, 17932326). This variant has been observed in 2 related individuals with dilated cardiomyopathy (PMID: 15542288). This variant has not been identified in the general population by the Genome Aggregation Database (gnomAD). The available evidence is insufficient to determine the role of this variant in disease conclusively. Therefore, this variant is classified as a Variant of Uncertain Significance.

Labcorp Genetics (formerly Invitae), Labcorp
Classification: Uncertain significance for Cardiomyopathy, familial restrictive, 3; Hypertrophic cardiomyopathy 2; Dilated cardiomyopathy 1D. Last evaluated: 2024-11-26. Review status: criteria provided, single submitter. Criteria: Invitae Variant Classification Sherloc (09022015). Collection method: clinical testing. Allele origin: germline.
Comment: This sequence change replaces aspartic acid, which is acidic and polar, with asparagine, which is neutral and polar, at codon 270 of the TNNT2 protein (p.Asp270Asn). This variant is not present in population databases (gnomAD no frequency). This missense change has been observed in individual(s) with dilated cardiomyopathy (PMID: 15542288). ClinVar contains an entry for this variant (Variation ID: 12417). Invitae Evidence Modeling of protein sequence and biophysical properties (such as structural, functional, and spatial information, amino acid conservation, physicochemical variation, residue mobility, and thermodynamic stability) indicates that this missense variant is not expected to disrupt TNNT2 protein function with a negative predictive value of 80%. Experimental studies have shown that this missense change affects TNNT2 function (PMID: 15542288, 15923195, 17932326). In summary, the available evidence is currently insufficient to determine the role of this variant in disease. Therefore, it has been classified as a Variant of Uncertain Significance.

All of Us Research Program, National Institutes of Health
Classification: Uncertain significance for Cardiomyopathy. Last evaluated: 2024-08-06. Review status: criteria provided, single submitter. Criteria: ACMG Guidelines, 2015. Collection method: clinical testing. Allele origin: germline. Inheritance: Autosomal dominant inheritance. Observed: 1 variant allele, 1 heterozygote.
Comment: This study involves interpretation of variants in research participants for the purpose of population health screening. Participant phenotype was not available at the time of variant classification. Additional details can be found in publication PMID: 35346344, PMCID: PMC8962531

Genome-Nilou Lab
Classification: Uncertain significance for Dilated cardiomyopathy 1D. Last evaluated: 2023-04-11. Review status: criteria provided, single submitter. Criteria: ACMG Guidelines, 2015. Collection method: clinical testing. Allele origin: germline. Affected: no.

Genome-Nilou Lab
Classification: Uncertain significance for Cardiomyopathy, familial restrictive, 3. Last evaluated: 2023-04-11. Review status: criteria provided, single submitter. Criteria: ACMG Guidelines, 2015. Collection method: clinical testing. Allele origin: germline. Affected: no.

Genome-Nilou Lab
Classification: Uncertain significance for Hypertrophic cardiomyopathy 2. Last evaluated: 2023-04-11. Review status: criteria provided, single submitter. Criteria: ACMG Guidelines, 2015. Collection method: clinical testing. Allele origin: germline. Affected: no.

Ambry Genetics
Classification: Uncertain significance for Cardiovascular phenotype. Last evaluated: 2021-06-03. Review status: criteria provided, single submitter. Criteria: Ambry Variant Classification Scheme 2023. Collection method: clinical testing. Allele origin: germline.
Comment: The p.D270N variant (also known as c.808G>A), located in coding exon 14 of the TNNT2 gene, results from a G to A substitution at nucleotide position 808. The aspartic acid at codon 270 is replaced by asparagine, an amino acid with highly similar properties. This variant has been detected in two affected individuals from a family with dilated cardiomyopathy (Mogensen J et al. J Am Coll Cardiol, 2004 Nov;44:2033-40). In vitro functional assays have indicated this variant may result in decreased calcium sensitivity of myofilaments, impaired protein-protein interactions, and/or reduced cooperativity of calcium binding; however, the precise physiological relevance of these findings is unclear (Mogensen J et al. J Am Coll Cardiol, 2004 Nov;44:2033-40; Mirza M et al. J Biol Chem, 2005 Aug;280:28498-506; Robinson P et al. Circ Res, 2007 Dec;101:1266-73). This amino acid position is highly conserved in available vertebrate species. In addition, this alteration is predicted to be tolerated by in silico analysis. Since supporting evidence is limited at this time, the clinical significance of this alteration remains unclear.

OMIM
Classification: Pathogenic for CARDIOMYOPATHY, DILATED, 1D. Last evaluated: 2004-11-16. Review status: no assertion criteria provided. Collection method: literature only. Allele origin: germline. Not counted in ClinVar's aggregate classification.

Literature cited by the submitters: PubMed 15542288 (cited by 4 submitters); PubMed 15923195 (cited by 3 submitters); PubMed 17932326 (cited by 3 submitters).

NM_001276345.2(TNNT2):c.838G>A (p.Asp280Asn)

Gene: TNNT2 (troponin T2, cardiac type; minus strand). Cytogenetic location: 1q32.1.
Variant type: single nucleotide variant.
Coding change: c.838G>A on transcript NM_001276345.2 (MANE Select); coding-DNA position 838, G replaced by A.
Protein change: p.Asp280Asn; replaces aspartic acid 280 with asparagine.
Molecular consequence: missense variant.
Genome position (GRCh38, 1-based): chr1:201,359,636, C>T on the plus strand (G>A on the coding strand, the complement: TNNT2 is on the minus strand). VCF-style: chr1-201359636-C-T. GRCh37 (hg19) VCF-style: chr1-201328764-C-T.
Other names: c.829G>A, p.Asp277Asn (NM_000364.4); c.808G>A, p.Asp270Asn (NM_001001430.3, NM_001276347.2); c.799G>A, p.Asp267Asn (NM_001001431.3); c.790G>A, p.Asp264Asn (NM_001001432.3); c.709G>A, p.Asp237Asn (NM_001276346.2); short protein forms D270N, D277N, D267N, D280N, D237N, D264N.
Identifiers: ClinVar variation 12417 (VCV000012417.12), dbSNP rs121964861, ClinGen allele CA005187.